The following is an entry in ClinVar:

ClinVar aggregate classification (germline): Likely benign. Review status: criteria provided, single submitter (1 of 4 stars). 2 submissions from 2 submitters: Likely benign (1). 1 of the submissions does not count toward it. Last evaluated 2024-06-21.

Conditions:
RAD51-related disorder. Also called: RAD51-related disorders; RAD51-related condition.

Allele frequency attached by ClinVar (database versions not stated): gnomAD 0.00001; TOPMed 0.00002; gnomAD exomes 0.00004 and 0.00007; ExAC 0.00007; ESP Exome Variant Server 0.00008.
gnomAD v4.1: 103 of 1,613,820 alleles (0.0064%); highest among the groups gnomAD compares: Non-Finnish European, 0.0081%; no homozygotes.

Submissions (2):

Labcorp Genetics (formerly Invitae), Labcorp
Classification: Likely benign. Last evaluated: 2024-06-21. Review status: criteria provided, single submitter. Criteria: Invitae Variant Classification Sherloc (09022015). Collection method: clinical testing. Allele origin: germline.

PreventionGenetics, part of Exact Sciences
Classification: Likely benign for RAD51-related condition. Last evaluated: 2019-03-05. Review status: no assertion criteria provided. Collection method: clinical testing. Allele origin: germline. Not counted in ClinVar's aggregate classification.
Comment: This variant is classified as likely benign based on ACMG/AMP sequence variant interpretation guidelines (Richards et al. 2015 PMID: 25741868, with internal and published modifications).

NM_002875.5(RAD51):c.675C>T (p.Thr225=)

Gene: RAD51 (RAD51 recombinase; plus strand). Cytogenetic location: 15q15.1.
Variant type: single nucleotide variant.
Coding change: c.675C>T on transcript NM_002875.5 (MANE Select); coding-DNA position 675, C replaced by T.
Protein change: p.Thr225=; no amino-acid change (threonine 225 retained).
Molecular consequence: synonymous variant.
Genome position (GRCh38, 1-based): chr15:40,729,535, C>T. VCF-style: chr15-40729535-C-T. GRCh37 (hg19) VCF-style: chr15-41021733-C-T.
Other names: c.678C>T, p.Thr226= (NM_001164269.2, NM_133487.4); c.675C>T, p.Thr225= (NM_001164270.2); c.678C>T (NM_001164269.1).
Identifiers: ClinVar variation 751562 (VCV000751562.8), dbSNP rs147352002, ClinGen allele CA7484088.
Genomic context (GRCh38, chr15:40,729,535, plus strand): 5'-TAGGCTTCAGAGAATCCTTGTTTCCTGTAGGTATGCACTGCTTATTGTAGACAGTGCCAC[C>T]GCCCTTTACAGAACAGACTACTCGGGTCGAGGTGAGCTTTCAGCCAGGCAGATGCACTTG-3'
Protein context (NP_002866.2, residues 215-235): RYALLIVDSA[Thr225=]ALYRTDYSGR